The following is an entry in ClinVar:

NM_014363.6(SACS):c.1534_1538del (p.Ser512fs)

Gene: SACS (sacsin molecular chaperone; minus strand). Cytogenetic location: 13q12.12.
Variant type: Deletion.
Coding change: c.1534_1538del on transcript NM_014363.6 (MANE Select); coding-DNA positions 1534 to 1538, 5 bases deleted (TCAAT; older notation c.1534_1538delTCAAT).
Protein change: p.Ser512fs; shifts the reading frame from serine 512.
Molecular consequence: frameshift variant.
Genome position (GRCh38, 1-based): chr13:23,355,074-23,355,078, ATTGA deleted on the plus strand (TCAAT on the coding strand, the reverse complement: SACS is on the minus strand); deleting any 5 consecutive bases within chr13:23,355,074-23,355,080 gives the same sequence; the c. name uses the placement nearest the transcript's 3' end. VCF-style (leftmost placement, unchanged base first): chr13-23355073-TATTGA-T. GRCh37 (hg19) VCF-style: chr13-23929212-TATTGA-T.
Other names: c.1093_1097del, p.Ser365fs (NM_001278055.2); c.1534_1538del, p.Ser512fs (NM_001437336.1); short protein forms S365fs, S512fs.
Identifiers: ClinVar variation 5011429 (VCV005011429.1).

ClinVar aggregate classification (germline): Pathogenic (1 of 4 stars; one submission).

Conditions:
Charlevoix-Saguenay spastic ataxia (SACS). Also called: AUTOSOMAL RECESSIVE SPASTIC ATAXIA OF CHARLEVOIX-SAGUENAY; Spastic ataxia of Charlevoix-Saguenay; SPASTIC ATAXIA 6, AUTOSOMAL RECESSIVE. Identifiers: Orphanet 98, MedGen C1849140, MONDO:0010041, OMIM 270550.

Submission:

Myriad Genetics, Inc.
Classification: Pathogenic for Charlevoix-Saguenay spastic ataxia. Last evaluated: 2023-08-21. Review status: criteria provided, single submitter. Criteria: Myriad Autosomal Dominant, Autosomal Recessive and X-Linked Classification Criteria (2023). Collection method: clinical testing. Allele origin: unknown.
Comment: NM_014363.4(SACS):c.1534_1538del5(S512Kfs*10) is expected to be pathogenic in the context of autosomal recessive spastic ataxia of Charlevoix-Saguenay. This variant is predicted to lead to an abnormal or absent protein product due to the creation of a premature termination codon in SACS, a gene where loss-of-function variants are known to be pathogenic. Please note: this variant was assessed in the context of healthy population screening.